The following is an entry in ClinVar:

ClinVar aggregate classification (germline): Benign/Likely benign. Review status: criteria provided, multiple submitters, no conflicts (2 of 4 stars). 7 submissions from 6 submitters: Benign (2); Likely benign (4). 1 of the submissions does not count toward it. Last evaluated 2026-08-01.

Conditions:
Brain small vessel disease 1 with or without ocular anomalies (BSVD1). Also called: BRAIN SMALL VESSEL DISEASE WITH HEMORRHAGE; PORENCEPHALY, TYPE 1, AUTOSOMAL DOMINANT; Brain small vessel disease with or without ocular anomalies; GOULD SYNDROME 1. Identifiers: Orphanet 2940, Orphanet 36383, Orphanet 99810, MedGen C4755307, MONDO:0008289, OMIM 175780.
COL4A1-related disorder. Also called: COL4A1-related condition; COL4A1-related disorders. Identifiers: MedGen CN376119, MONDO:0800461.
Autosomal dominant familial hematuria-retinal arteriolar tortuosity-contractures syndrome. Also called: Angiopathy, hereditary, with nephropathy, aneurysms, and muscle cramps; Hereditary Angiopathy with Nephropathy, Aneurysms, and Muscle Cramps (HANAC) Syndrome. Identifiers: Orphanet 73229, MedGen C2673195, MONDO:0012726, OMIM 611773.

Allele frequency attached by ClinVar (database versions not stated): ExAC 0.00012; gnomAD exomes 0.00012; TOPMed 0.00029; gnomAD 0.00031 and 0.00034; ESP Exome Variant Server 0.00046.
gnomAD v4.1: 420 of 1,614,032 alleles (0.026%); highest among the groups gnomAD compares: Admixed American, 0.057%; 1 homozygote.

Submissions (7):

CeGaT Center for Human Genetics Tuebingen
Classification: Likely benign. Last evaluated: 2026-08-01. Review status: criteria provided, single submitter. Criteria: CeGaT Center For Human Genetics Tuebingen Variant Classification Criteria Version 2. Collection method: clinical testing. Allele origin: germline. Affected: yes. Observed: 3 variant alleles.
Comment: COL4A1: BP4, BP7

Labcorp Genetics (formerly Invitae), Labcorp
Classification: Likely benign. Last evaluated: 2026-01-24. Review status: criteria provided, single submitter. Criteria: Invitae Variant Classification Sherloc (09022015). Collection method: clinical testing. Allele origin: germline.

Blueprint Genetics
Classification: Likely benign. Last evaluated: 2024-09-12. Review status: criteria provided, single submitter. Criteria: ACMG Guidelines, 2015. Collection method: clinical testing. Allele origin: germline.

GeneDx
Classification: Likely benign. Last evaluated: 2021-04-21. Review status: criteria provided, single submitter. Criteria: GeneDx Variant Classification Process June 2021. Collection method: clinical testing. Allele origin: germline. Affected: yes.

Illumina Laboratory Services, Illumina
Classification: Benign for Brain small vessel disease 1 with or without ocular anomalies. Last evaluated: 2018-01-12. Review status: criteria provided, single submitter. Criteria: ICSL Variant Classification Criteria 13 December 2019. Collection method: clinical testing. Allele origin: germline.
Comment: This variant was observed in the ICSL laboratory as part of a predisposition screen in an ostensibly healthy population. It had not been previously curated by ICSL or reported in the Human Gene Mutation Database (HGMD: prior to June 1st, 2018), and was therefore a candidate for classification through an automated scoring system. Utilizing variant allele frequency, disease prevalence and penetrance estimates, and inheritance mode, an automated score was calculated to assess if this variant is too frequent to cause the disease. Based on the score and internal cut-off values, a variant classified as benign is not then subjected to further curation. The score for this variant resulted in a classification of benign for this disease.

Illumina Laboratory Services, Illumina
Classification: Benign for Autosomal dominant familial hematuria-retinal arteriolar tortuosity-contractures syndrome. Last evaluated: 2018-01-12. Review status: criteria provided, single submitter. Criteria: ICSL Variant Classification Criteria 13 December 2019. Collection method: clinical testing. Allele origin: germline.
Comment: the same text as in the submission from Illumina Laboratory Services, Illumina above.

PreventionGenetics, part of Exact Sciences
Classification: Likely benign for COL4A1-related condition. Last evaluated: 2021-02-23. Review status: no assertion criteria provided. Collection method: clinical testing. Allele origin: germline. Not counted in ClinVar's aggregate classification.
Comment: This variant is classified as likely benign based on ACMG/AMP sequence variant interpretation guidelines (Richards et al. 2015 PMID: 25741868, with internal and published modifications).

NM_001845.6(COL4A1):c.1437C>T (p.Pro479=)

Gene: COL4A1 (collagen type IV alpha 1 chain; minus strand). Cytogenetic location: 13q34.
Variant type: single nucleotide variant.
Coding change: c.1437C>T on transcript NM_001845.6 (MANE Select); coding-DNA position 1437, C replaced by T.
Protein change: p.Pro479=; no amino-acid change (proline 479 retained).
Molecular consequence: synonymous variant.
Genome position (GRCh38, 1-based): chr13:110,192,858, G>A on the plus strand (C>T on the coding strand, the complement: COL4A1 is on the minus strand). VCF-style: chr13-110192858-G-A. GRCh37 (hg19) VCF-style: chr13-110845205-G-A.
Other names: c.1437C>T, p.Pro479= (NM_001303110.2); c.1437C>T (NM_001845.5).
Identifiers: ClinVar variation 882476 (VCV000882476.40), dbSNP rs151186561, ClinGen allele CA7047937.
Genomic context (GRCh38, chr13:110,192,858, plus strand): 5'-CTGACCTGGTCCTTTTCACATGTGGGTCTTACCTATTTCTCCCGGGGGTCCCTGTGGCCC[G>A]GGAGGCCCCCGATATCCGTCTATATCACAGATGAGGCAACTCTCTCCTTTTTGACCTAAA-3'
Protein context (NP_001836.3, residues 469-489): ICDIDGYRGP[Pro479=]GPQGPPGEIG